The following is an entry in ClinVar:

NM_001289125.3(IFNAR2):c.325G>A (p.Val109Ile)

Genes: IFNAR2 (interferon alpha and beta receptor subunit 2; plus strand), IFNAR2-IL10RB (IFNAR2-IL10RB readthrough; plus strand). Cytogenetic location: 21q22.11.
Variant type: single nucleotide variant.
Coding change: c.325G>A on transcript NM_001289125.3 (MANE Select); coding-DNA position 325, G replaced by A.
Protein change: p.Val109Ile; replaces valine 109 with isoleucine.
Molecular consequence: missense variant.
Genome position (GRCh38, 1-based): chr21:33,246,821, G>A. VCF-style: chr21-33246821-G-A. GRCh37 (hg19) VCF-style: chr21-34619126-G-A.
Other names: c.325G>A, p.Val109Ile (NM_000874.5, NM_001289126.2, NM_001289128.2 and 4 more transcripts); short protein forms V109I.
Identifiers: ClinVar variation 1395822 (VCV001395822.3), dbSNP rs140084698, ClinGen allele CA10005620.
Genomic context (GRCh38, chr21:33,246,821, plus strand): 5'-ACAAGATCATTTTGTGACCTCACAGATGAGTGGAGAAGCACACACGAGGCCTATGTCACC[G>A]TCCTAGAAGGATTCAGCGGGAACACAACGTTGTTCAGTTGCTCACACAATTTCTGGCTGG-3'
Protein context (NP_001276054.1, residues 99-119): WRSTHEAYVT[Val109Ile]LEGFSGNTTL

ClinVar aggregate classification (germline): Uncertain significance (1 of 4 stars; one submission).

Allele frequency attached by ClinVar (database versions not stated): gnomAD 0.00006; ExAC 0.00007; TOPMed 0.00007; gnomAD exomes 0.00009; 1000 Genomes Project 30x 0.00016; 1000 Genomes Project 0.00020; ESP Exome Variant Server 0.00023.

Submission:

Labcorp Genetics (formerly Invitae), Labcorp
Classification: Uncertain significance. Last evaluated: 2022-06-26. Review status: criteria provided, single submitter. Criteria: Invitae Variant Classification Sherloc (09022015). Collection method: clinical testing. Allele origin: germline.
Comment: This sequence change replaces valine, which is neutral and non-polar, with isoleucine, which is neutral and non-polar, at codon 109 of the IFNAR2 protein (p.Val109Ile). This variant is present in population databases (rs140084698, gnomAD 0.1%). This variant has not been reported in the literature in individuals affected with IFNAR2-related conditions. Algorithms developed to predict the effect of missense changes on protein structure and function output the following: SIFT: "Tolerated"; PolyPhen-2: "Benign"; Align-GVGD: "Class C0". The isoleucine amino acid residue is found in multiple mammalian species, which suggests that this missense change does not adversely affect protein function. In summary, the available evidence is currently insufficient to determine the role of this variant in disease. Therefore, it has been classified as a Variant of Uncertain Significance.